The following is an entry in ClinVar:

NM_004982.4(KCNJ8):c.757C>A (p.Pro253Thr)

Genes: KCNJ8-AS1 (KCNJ8 antisense RNA 1; plus strand), KCNJ8 (potassium inwardly rectifying channel subfamily J member 8; minus strand). Cytogenetic location: 12p12.1.
Variant type: single nucleotide variant.
Coding change: c.757C>A on transcript NM_004982.4 (MANE Select); coding-DNA position 757, C replaced by A.
Protein change: p.Pro253Thr; replaces proline 253 with threonine.
Molecular consequence: missense variant.
Genome position (GRCh38, 1-based): chr12:21,766,241, G>T on the plus strand (C>A on the coding strand, the complement: KCNJ8 is on the minus strand). VCF-style: chr12-21766241-G-T. GRCh37 (hg19) VCF-style: chr12-21919175-G-T.
Other names: c.757C>A (NM_004982.2); short protein forms P253T.
Identifiers: ClinVar variation 2918715 (VCV002918715.4), dbSNP rs2540720810, ClinGen allele CA384124607.

ClinVar aggregate classification (germline): Uncertain significance. Review status: criteria provided, multiple submitters, no conflicts (2 of 4 stars). 2 submissions from 2 submitters: Uncertain significance (2). Last evaluated 2025-06-01.

Conditions:
Cardiovascular phenotype. Identifiers: MedGen CN230736.
Brugada syndrome. Also called: Sudden unexpected nocturnal death syndrome; Sudden unexplained nocturnal death syndrome; Sudden Unexplained Death Syndrome; Sudden Unexplained Nocturnal Death Syndrome (SUNDS). Identifiers: Orphanet 130, MedGen C1142166, MONDO:0015263.

Submissions (2):

Ambry Genetics
Classification: Uncertain significance for Cardiovascular phenotype. Last evaluated: 2025-06-01. Review status: criteria provided, single submitter. Criteria: Ambry Variant Classification Scheme 2023. Collection method: clinical testing. Allele origin: germline.
Comment: The p.P253T variant (also known as c.757C>A), located in coding exon 2 of the KCNJ8 gene, results from a C to A substitution at nucleotide position 757. The proline at codon 253 is replaced by threonine, an amino acid with highly similar properties. This amino acid position is conserved. In addition, the in silico prediction for this alteration is inconclusive. Based on the available evidence, the clinical significance of this variant remains unclear.

Labcorp Genetics (formerly Invitae), Labcorp
Classification: Uncertain significance for Brugada syndrome. Last evaluated: 2022-11-24. Review status: criteria provided, single submitter. Criteria: Invitae Variant Classification Sherloc (09022015). Collection method: clinical testing. Allele origin: germline.
Comment: This sequence change replaces proline, which is neutral and non-polar, with threonine, which is neutral and polar, at codon 253 of the KCNJ8 protein (p.Pro253Thr). This variant is not present in population databases (gnomAD no frequency). This variant has not been reported in the literature in individuals affected with KCNJ8-related conditions. Advanced modeling of protein sequence and biophysical properties (such as structural, functional, and spatial information, amino acid conservation, physicochemical variation, residue mobility, and thermodynamic stability) performed at Invitae indicates that this missense variant is not expected to disrupt KCNJ8 protein function. In summary, the available evidence is currently insufficient to determine the role of this variant in disease. Therefore, it has been classified as a Variant of Uncertain Significance.